The following is an entry in ClinVar:

ClinVar aggregate classification (germline): Pathogenic/Likely pathogenic. Review status: criteria provided, multiple submitters, no conflicts (2 of 4 stars). 2 submissions from 2 submitters: Pathogenic (1); Likely pathogenic (1). Last evaluated 2022-12-03.

Conditions:
Short-rib thoracic dysplasia 19 with or without polydactyly. Identifiers: MedGen C4693524, MONDO:0033485, OMIM 617895.

Allele frequency attached by ClinVar (database versions not stated): gnomAD exomes below 0.00001; TOPMed 0.00001; gnomAD 0.00003 and 0.00004.

Submissions (2):

Labcorp Genetics (formerly Invitae), Labcorp
Classification: Pathogenic. Last evaluated: 2022-12-03. Review status: criteria provided, single submitter. Criteria: Invitae Variant Classification Sherloc (09022015). Collection method: clinical testing. Allele origin: germline.
Comment: This sequence change creates a premature translational stop signal (p.Arg405*) in the IFT81 gene. It is expected to result in an absent or disrupted protein product. Loss-of-function variants in IFT81 are known to be pathogenic (PMID: 26275418, 27666822). This variant is present in population databases (rs546724699, gnomAD 0.007%). This premature translational stop signal has been observed in individual(s) with clinical features of inherited retinal dystrophy (PMID: 28460050). ClinVar contains an entry for this variant (Variation ID: 864626). For these reasons, this variant has been classified as Pathogenic.

Juno Genomics, Hangzhou Juno Genomics, Inc
Classification: Likely pathogenic for Short-rib thoracic dysplasia 19 with or without polydactyly. Review status: criteria provided, single submitter. Criteria: ACMG Guidelines, 2015. Collection method: clinical testing. Allele origin: germline.
Comment: Absent from controls (or at extremely low frequency if recessive) in Genome Aggregation Database.;Null variant in a gene where loss of function (LOF) is a known mechanism of disease.

Literature cited by the submitters: PubMed 26275418 (cited by Labcorp Genetics (formerly Invitae), Labcorp); PubMed 27666822 (cited by Labcorp Genetics (formerly Invitae), Labcorp); PubMed 28460050 (cited by Labcorp Genetics (formerly Invitae), Labcorp).

NM_014055.4(IFT81):c.1213C>T (p.Arg405Ter)

Gene: IFT81 (intraflagellar transport 81; plus strand). Cytogenetic location: 12q24.11.
Variant type: single nucleotide variant.
Coding change: c.1213C>T on transcript NM_014055.4 (MANE Select); coding-DNA position 1213, C replaced by T.
Protein change: p.Arg405Ter; replaces arginine 405 with a stop codon.
Molecular consequence: nonsense. On other transcripts: non-coding transcript variant (4).
Genome position (GRCh38, 1-based): chr12:110,180,446, C>T. VCF-style: chr12-110180446-C-T. GRCh37 (hg19) VCF-style: chr12-110618251-C-T.
Other names: c.1213C>T, p.Arg405Ter (NM_001143779.2); c.283C>T, p.Arg95Ter (NM_001347947.2, NM_001347948.2); short protein forms R405*, R95*.
Identifiers: ClinVar variation 864626 (VCV000864626.9), dbSNP rs546724699, ClinGen allele CA243929768.